The following is an entry in ClinVar:

NM_004006.3(DMD):c.4409G>A (p.Arg1470His)

Gene: DMD (dystrophin; minus strand). Cytogenetic location: Xp21.1.
Variant type: single nucleotide variant.
Coding change: c.4409G>A on transcript NM_004006.3 (MANE Select); coding-DNA position 4409, G replaced by A.
Protein change: p.Arg1470His; replaces arginine 1470 with histidine.
Molecular consequence: missense variant.
Genome position (GRCh38, 1-based): chrX:32,389,610, C>T on the plus strand (G>A on the coding strand, the complement: DMD is on the minus strand). VCF-style: chrX-32389610-C-T. GRCh37 (hg19) VCF-style: chrX-32407727-C-T.
Other names: c.4385G>A, p.Arg1462His (NM_000109.4); c.4397G>A, p.Arg1466His (NM_004009.3); c.4040G>A, p.Arg1347His (NM_004010.3); c.386G>A, p.Arg129His (NM_004011.4); c.377G>A, p.Arg126His (NM_004012.4); short protein forms R1470H, R1347H, R1466H, R126H, R129H, R1462H.
Identifiers: ClinVar variation 585784 (VCV000585784.11), dbSNP rs752129019, ClinGen allele CA412663583.
Genomic context (GRCh38, chrX:32,389,610, plus strand): 5'-GTTTCCAATGCAGGCAAGTGCATCTTCACTTCATCTAAAATCATCTTACTTTCTTGTAGA[C>T]GCTGCTCAAAATTGGCTGGTTTCTGGAATAATCGAAACTTCATGGAGACATCTTGTAATT-3'
Protein context (NP_003997.2, residues 1460-1480): LFQKPANFEQ[Arg1470His]LQESKMILDE

ClinVar aggregate classification (germline): Conflicting classifications of pathogenicity. Review status: criteria provided, conflicting classifications (1 of 4 stars). 5 submissions from 5 submitters: Uncertain significance (3); Likely benign (1). 1 of the submissions does not count toward it. Last evaluated 2025-10-27.

Conditions:
Cardiomyopathy (CMYO). Also called: Cardiomyopathies. Identifiers: Orphanet 167848, MedGen C0878544, MONDO:0004994, HP:0001638. Inheritance: Various modes of inheritance.
Duchenne muscular dystrophy (DMD). Also called: MUSCULAR DYSTROPHY, PSEUDOHYPERTROPHIC PROGRESSIVE, DUCHENNE TYPE; Duchenne Muscular Dystrophy (DMD). Identifiers: Orphanet 98896, MedGen C0013264, MONDO:0010679, OMIM 310200.
Becker muscular dystrophy (BMD). Also called: MUSCULAR DYSTROPHY, PSEUDOHYPERTROPHIC PROGRESSIVE, BECKER TYPE; Becker Muscular Dystrophy (BMD). Identifiers: Orphanet 98895, MedGen C0917713, MONDO:0010311, OMIM 300376.
Dystrophin deficiency.
Cardiovascular phenotype. Identifiers: MedGen CN230736.

Allele frequency attached by ClinVar (database versions not stated): gnomAD exomes 0.00001; TOPMed 0.00004.
gnomAD v4.1: 19 of 1,208,832 alleles (0.0016%); highest among the groups gnomAD compares: South Asian, 0.0018%; no homozygotes.

Submissions (5):

Labcorp Genetics (formerly Invitae), Labcorp
Classification: Likely benign for Duchenne muscular dystrophy. Last evaluated: 2025-10-27. Review status: criteria provided, single submitter. Criteria: Invitae Variant Classification Sherloc (09022015). Collection method: clinical testing. Allele origin: germline.

Ambry Genetics
Classification: Uncertain significance for Cardiovascular phenotype. Last evaluated: 2024-03-12. Review status: criteria provided, single submitter. Criteria: Ambry Variant Classification Scheme 2023. Collection method: clinical testing. Allele origin: germline.
Comment: The p.R1470H variant (also known as c.4409G>A), located in coding exon 32 of the DMD gene, results from a G to A substitution at nucleotide position 4409. The arginine at codon 1470 is replaced by histidine, an amino acid with highly similar properties. Based on data from gnomAD, the A allele has an overall frequency of <0.01% (1/182821) total alleles studied, with 1 hemizygote(s) observed. The highest observed frequency was <0.01% (1/81465) of European (non-Finnish) alleles. This amino acid position is highly conserved in available vertebrate species. In addition, the in silico prediction for this alteration is inconclusive. Based on the available evidence, the clinical significance of this alteration remains unclear.

Revvity Omics, Revvity
Classification: Uncertain significance. Last evaluated: 2023-02-07. Review status: criteria provided, single submitter. Criteria: ACMG Guidelines, 2015. Collection method: clinical testing. Allele origin: germline.

Athena Diagnostics
Classification: Uncertain significance. Last evaluated: 2017-11-10. Review status: criteria provided, single submitter. Criteria: Athena Diagnostics Criteria. Collection method: clinical testing. Allele origin: germline.

Natera, Inc.
Classification: Uncertain significance for Becker muscular dystrophy; Cardiomyopathy; Duchenne muscular dystrophy; Dystrophin deficiency. Last evaluated: 2018-09-20. Review status: no assertion criteria provided. Collection method: clinical testing. Allele origin: germline. Not counted in ClinVar's aggregate classification.